The following is an entry in ClinVar:

NM_007156.5(ZXDA):c.2267G>A (p.Ser756Asn)

Gene: ZXDA (zinc finger X-linked duplicated A; minus strand). Cytogenetic location: Xp11.21.
Variant type: single nucleotide variant.
Coding change: c.2267G>A on transcript NM_007156.5 (MANE Select); coding-DNA position 2267, G replaced by A.
Protein change: p.Ser756Asn; replaces serine 756 with asparagine.
Molecular consequence: missense variant.
Genome position (GRCh38, 1-based): chrX:57,908,154, C>T on the plus strand (G>A on the coding strand, the complement: ZXDA is on the minus strand). VCF-style: chrX-57908154-C-T. GRCh37 (hg19) VCF-style: chrX-57934588-C-T.
Other names: short protein forms S756N.
Identifiers: ClinVar variation 2469965 (VCV002469965.26), dbSNP rs139574884, ClinGen allele CA10431369.

ClinVar aggregate classification (germline): Likely benign. Review status: criteria provided, multiple submitters, no conflicts (2 of 4 stars). 2 submissions from 2 submitters: Likely benign (2). Last evaluated 2023-04-01.

Allele frequency attached by ClinVar (database versions not stated): ExAC 0.00014; gnomAD 0.00021; ESP Exome Variant Server 0.00038; 1000 Genomes Project 30x 0.00042; 1000 Genomes Project 0.00053.

Submissions (2):

CeGaT Center for Human Genetics Tuebingen
Classification: Likely benign. Last evaluated: 2023-04-01. Review status: criteria provided, single submitter. Criteria: CeGaT Center For Human Genetics Tuebingen Variant Classification Criteria Version 2. Collection method: clinical testing. Allele origin: germline. Affected: yes. Observed: 1 variant allele.
Comment: ZXDA: BS2

Ambry Genetics
Classification: Likely benign. Last evaluated: 2023-02-23. Review status: criteria provided, single submitter. Criteria: Ambry Variant Classification Scheme 2023. Collection method: clinical testing. Allele origin: germline.